The following is an entry in ClinVar:

ClinVar aggregate classification (germline): Pathogenic (1 of 4 stars; one submission).

Conditions:
Cerebral cavernous malformation (CCM). Also called: Cerebral cavernous hemangioma (type); CAVERNOUS ANGIOMA, FAMILIAL; CAVERNOUS ANGIOMATOUS MALFORMATIONS; CEREBRAL CAPILLARY MALFORMATIONS; Cavernous Hemangioma of Brain; Cerebral cavernous malformations. Identifiers: Orphanet 221061, MedGen C2919945, MONDO:0000820, OMIM 116860, HP:0033522.

Submission:

Labcorp Genetics (formerly Invitae), Labcorp
Classification: Pathogenic for Cerebral cavernous malformation. Last evaluated: 2020-03-10. Review status: criteria provided, single submitter. Criteria: Invitae Variant Classification Sherloc (09022015). Collection method: clinical testing. Allele origin: germline.
Comment: Loss-of-function variants in KRIT1 are known to be pathogenic (PMID: 10508515, 11222804, 12404106, 24689081). This variant is not present in population databases (ExAC no frequency). This variant has not been reported in the literature in individuals with KRIT1-related conditions. For these reasons, this variant has been classified as Pathogenic. This sequence change creates a premature translational stop signal (p.His367Profs*3) in the KRIT1 gene. It is expected to result in an absent or disrupted protein product.

Literature cited by the submitters: PubMed 10508515; PubMed 11222804; PubMed 12404106; PubMed 24689081.

NM_194454.3(KRIT1):c.1099dup (p.His367fs)

Gene: KRIT1 (KRIT1 ankyrin repeat containing; minus strand). Cytogenetic location: 7q21.2.
Variant type: Duplication.
Coding change: c.1099dup on transcript NM_194454.3 (MANE Select); coding-DNA position 1099, one base duplicated (C; older notation c.1099dupC).
Protein change: p.His367fs; shifts the reading frame from histidine 367.
Molecular consequence: frameshift variant.
Genome position (GRCh38, 1-based): chr7:92,226,573, G duplicated on the plus strand (C on the coding strand, the reverse complement: KRIT1 is on the minus strand). VCF-style (leftmost placement, unchanged base first): chr7-92226572-T-TG. GRCh37 (hg19) VCF-style: chr7-91855886-T-TG.
Other names: c.955dup, p.His319fs (NM_001013406.2, NM_001350669.1, NM_001350670.1); c.385dup, p.His129fs (NM_001350671.1); c.1099dup, p.His367fs (NM_001350672.1, NM_001350673.1, NM_001350674.1 and 26 more transcripts); short protein forms H129fs, H319fs, H367fs.
Identifiers: ClinVar variation 1071790 (VCV001071790.7), dbSNP rs2131526298, ClinGen allele CA2499219039.